The following is an entry in ClinVar:

NM_004329.3(BMPR1A):c.834C>T (p.Tyr278=)

Gene: BMPR1A (bone morphogenetic protein receptor type 1A; plus strand). Cytogenetic location: 10q23.2.
Variant type: single nucleotide variant.
Coding change: c.834C>T on transcript NM_004329.3 (MANE Select); coding-DNA position 834, C replaced by T.
Protein change: p.Tyr278=; no amino-acid change (tyrosine 278 retained).
Molecular consequence: synonymous variant.
Genome position (GRCh38, 1-based): chr10:86,917,292, C>T. VCF-style: chr10-86917292-C-T. GRCh37 (hg19) VCF-style: chr10-88677049-C-T.
Identifiers: ClinVar variation 822320 (VCV000822320.12), dbSNP rs1230919713, ClinGen allele CA470308094.
Genomic context (GRCh38, chr10:86,917,292, plus strand): 5'-GGCGGTGAAAGTATTCTTTACCACTGAAGAAGCCAGCTGGTTTCGAGAAACAGAAATCTA[C>T]CAAACTGTGCTAATGCGCCATGAAAACATACTTGGTGGGTACACACTGATTCAGTCAATT-3'
Protein context (NP_004320.2, residues 268-288): EASWFRETEI[Tyr278=]QTVLMRHENI

ClinVar aggregate classification (germline): Benign/Likely benign. Review status: criteria provided, multiple submitters, no conflicts (2 of 4 stars). 4 submissions from 4 submitters: Benign (1); Likely benign (3). Last evaluated 2024-08-05.

Conditions:
Juvenile polyposis syndrome (JPS). Identifiers: Orphanet 2929, MedGen C0345893, MONDO:0017380, OMIM 174900.
Hereditary cancer-predisposing syndrome. Also called: Hereditary Cancer Syndrome; Neoplastic Syndromes, Hereditary; Hereditary neoplastic syndrome; Tumor predisposition. Identifiers: Orphanet 140162, MedGen C0027672, MeSH D009386, MONDO:0015356.

Allele frequency attached by ClinVar (database versions not stated): gnomAD exomes below 0.00001.
gnomAD v4.1: 1 of 1,614,078 alleles (0.000062%); highest among the groups gnomAD compares: Admixed American, 0.0017%; no homozygotes.

Submissions (4):

Myriad Genetics, Inc.
Classification: Benign for Juvenile polyposis syndrome. Last evaluated: 2024-08-05. Review status: criteria provided, single submitter. Criteria: Myriad Autosomal Dominant, Autosomal Recessive and X-Linked Classification Criteria (2023). Collection method: clinical testing. Allele origin: unknown.
Comment: This variant is considered benign. This variant is a silent/synonymous amino acid change and it is not expected to impact splicing.

Labcorp Genetics (formerly Invitae), Labcorp
Classification: Likely benign for Juvenile polyposis syndrome. Last evaluated: 2023-08-06. Review status: criteria provided, single submitter. Criteria: Invitae Variant Classification Sherloc (09022015). Collection method: clinical testing. Allele origin: germline.

Color Diagnostics, LLC DBA Color Health
Classification: Likely benign for Hereditary cancer-predisposing syndrome. Last evaluated: 2019-05-14. Review status: criteria provided, single submitter. Criteria: ACMG Guidelines, 2015. Collection method: clinical testing. Allele origin: germline.

Ambry Genetics
Classification: Likely benign for Hereditary cancer-predisposing syndrome. Last evaluated: 2018-03-09. Review status: criteria provided, single submitter. Criteria: Ambry Variant Classification Scheme 2023. Collection method: clinical testing. Allele origin: germline.